The following is an entry in ClinVar:

NM_004370.6(COL12A1):c.8523+3A>G

Gene: COL12A1 (collagen type XII alpha 1 chain; minus strand). Cytogenetic location: 6q13.
Variant type: single nucleotide variant.
Coding change: c.8523+3A>G on transcript NM_004370.6 (MANE Select); 3 bases into the intron after coding-DNA position 8523, A replaced by G.
Molecular consequence: intron variant.
Genome position (GRCh38, 1-based): chr6:75,101,597, T>C on the plus strand (A>G on the coding strand, the complement: COL12A1 is on the minus strand). VCF-style: chr6-75101597-T-C. GRCh37 (hg19) VCF-style: chr6-75811313-T-C.
Other names: c.5031+3A>G (NM_001424116.1, NM_080645.3); c.8250+3A>G (NM_001424115.1); c.8502+3A>G (NM_001424114.1); c.8523+3A>G (NM_001424113.1).
Identifiers: ClinVar variation 3748544 (VCV003748544.2).
Genomic context (GRCh38, chr6:75,101,597, plus strand): 5'-AATTAATAGGCAACCATATGACATCATTTCCAACATCATTGTAGCCTGCTCAAGAAAACT[T>C]ACTCTGTCTCCTGGAGGTCCCATTGGTCCTGGTGGGCCAGGTAATCCTGGGGTTCCCTGC-3'

ClinVar aggregate classification (germline): Uncertain significance (1 of 4 stars; one submission).

Conditions:
Ullrich congenital muscular dystrophy 2 (UCMD2). Identifiers: Orphanet 75840, MedGen C4225314, MONDO:0014654, OMIM 616470.
Bethlem myopathy 2 (BTHLM2). Identifiers: Orphanet 536516, Orphanet 610, MedGen C4225313, MONDO:0034022, OMIM 616471.

gnomAD v4.1: 2 of 1,613,152 alleles (0.00012%); highest among the groups gnomAD compares: Non-Finnish European, 0.00017%; no homozygotes.

Submission:

Labcorp Genetics (formerly Invitae), Labcorp
Classification: Uncertain significance for Bethlem myopathy 2; Ullrich congenital muscular dystrophy 2. Last evaluated: 2024-08-05. Review status: criteria provided, single submitter. Criteria: Invitae Variant Classification Sherloc (09022015). Collection method: clinical testing. Allele origin: germline.
Comment: This sequence change falls in intron 58 of the COL12A1 gene. It does not directly change the encoded amino acid sequence of the COL12A1 protein. It affects a nucleotide within the consensus splice site. This variant is not present in population databases (gnomAD no frequency). This variant has not been reported in the literature in individuals affected with COL12A1-related conditions. Variants that disrupt the consensus splice site are a relatively common cause of aberrant splicing (PMID: 17576681, 9536098). Algorithms developed to predict the effect of sequence changes on RNA splicing suggest that this variant is not likely to affect RNA splicing. In summary, the available evidence is currently insufficient to determine the role of this variant in disease. Therefore, it has been classified as a Variant of Uncertain Significance.

Literature cited by the submitters: PubMed 17576681; PubMed 9536098.